The following is an entry in ClinVar:

NM_032588.4(TRIM63):c.696G>A (p.Thr232=)

Gene: TRIM63 (tripartite motif containing 63; minus strand). Cytogenetic location: 1p36.11.
Variant type: single nucleotide variant.
Coding change: c.696G>A on transcript NM_032588.4 (MANE Select); coding-DNA position 696, G replaced by A.
Protein change: p.Thr232=; no amino-acid change (threonine 232 retained).
Molecular consequence: synonymous variant.
Genome position (GRCh38, 1-based): chr1:26,058,525, C>T on the plus strand (G>A on the coding strand, the complement: TRIM63 is on the minus strand). VCF-style: chr1-26058525-C-T. GRCh37 (hg19) VCF-style: chr1-26385016-C-T.
Other names: p.Thr232=.
Identifiers: ClinVar variation 4684787 (VCV004684787.2).

ClinVar aggregate classification (germline): Likely benign. Review status: criteria provided, multiple submitters, no conflicts (2 of 4 stars). 2 submissions from 2 submitters: Likely benign (2). Last evaluated 2026-06-17.

Conditions:
TRIM63-related disorder. Also called: TRIM63-related condition.

gnomAD v4.1: 127 of 1,614,200 alleles (0.0079%); highest among the groups gnomAD compares: South Asian, 0.031%; 1 homozygote.

Submissions (2):

PreventionGenetics, part of Exact Sciences
Classification: Likely benign for TRIM63-related condition. Last evaluated: 2026-06-17. Review status: criteria provided, single submitter. Criteria: ACMG Guidelines, 2015. Collection method: clinical testing. Allele origin: germline.
Comment: This variant is classified as likely benign based on ACMG/AMP sequence variant interpretation guidelines (Richards et al. 2015 PMID: 25741868, with internal and published modifications).

Mayo Clinic Laboratories, Mayo Clinic
Classification: Likely benign. Last evaluated: 2025-11-23. Review status: criteria provided, single submitter. Criteria: ACMG Guidelines, 2015. Collection method: clinical testing. Allele origin: germline. Observed: 1 variant allele.
Comment: BP4, BP7